The following is an entry in ClinVar:

NM_001999.4(FBN2):c.8284T>A (p.Cys2762Ser)

Gene: FBN2 (fibrillin 2; minus strand). Cytogenetic location: 5q23.3.
Variant type: single nucleotide variant.
Coding change: c.8284T>A on transcript NM_001999.4 (MANE Select); coding-DNA position 8284, T replaced by A.
Protein change: p.Cys2762Ser; replaces cysteine 2762 with serine.
Molecular consequence: missense variant.
Genome position (GRCh38, 1-based): chr5:128,261,816, A>T on the plus strand (T>A on the coding strand, the complement: FBN2 is on the minus strand). VCF-style: chr5-128261816-A-T. GRCh37 (hg19) VCF-style: chr5-127597508-A-T.
Other names: short protein forms C2762S.
Identifiers: ClinVar variation 3364029 (VCV003364029.1).
Genomic context (GRCh38, chr5:128,261,816, plus strand): 5'-GAATACTTCTCTTCTGCCTGCTGTCTTTCTTAGAATAGCCGTTGATTTTGCACTCGTAGC[A>T]TGCTTCTGGGGACAGAGCATTTTCCTCATCGACCTCTGTATCCAGTGACAGGTACTGCCC-3'
Protein context (NP_001990.2, residues 2752-2772): DEENALSPEA[Cys2762Ser]YECKINGYSK

ClinVar aggregate classification (germline): Uncertain significance (1 of 4 stars; one submission).

Submission:

GeneDx
Classification: Uncertain significance. Last evaluated: 2023-11-09. Review status: criteria provided, single submitter. Criteria: GeneDx Variant Classification Process June 2021. Collection method: clinical testing. Allele origin: germline. Affected: yes.
Comment: Not observed at significant frequency in large population cohorts (gnomAD); In silico analysis supports that this missense variant has a deleterious effect on protein structure/function; Has not been previously published as pathogenic or benign to our knowledge; Does not occur within a calcium-binding-EGF-like domain (PMID: 19006240, 18767143); This variant is associated with the following publications: (PMID: 19006240, 18767143)